The following is an entry in ClinVar:

ClinVar aggregate classification (germline): Uncertain significance (1 of 4 stars; one submission).

Submission:

Labcorp Genetics (formerly Invitae), Labcorp
Classification: Uncertain significance. Last evaluated: 2024-06-28. Review status: criteria provided, single submitter. Criteria: Invitae Variant Classification Sherloc (09022015). Collection method: clinical testing. Allele origin: germline.
Comment: This sequence change replaces lysine, which is basic and polar, with arginine, which is basic and polar, at codon 3 of the TOP2B protein (p.Lys3Arg). This variant is present in population databases (no rsID available, gnomAD 0.002%). This variant has not been reported in the literature in individuals affected with TOP2B-related conditions. An algorithm developed to predict the effect of missense changes on protein structure and function (PolyPhen-2) suggests that this variant is likely to be tolerated. In summary, the available evidence is currently insufficient to determine the role of this variant in disease. Therefore, it has been classified as a Variant of Uncertain Significance.

NM_001330700.2(TOP2B):c.8A>G (p.Lys3Arg)

Genes: TOP2B (DNA topoisomerase II beta; minus strand), LOC129936375 (ATAC-STARR-seq lymphoblastoid silent region 14146; plus strand). Cytogenetic location: 3p24.2.
Variant type: single nucleotide variant.
Coding change: c.8A>G on transcript NM_001330700.2 (MANE Select); coding-DNA position 8, A replaced by G.
Protein change: p.Lys3Arg; replaces lysine 3 with arginine.
Molecular consequence: missense variant.
Genome position (GRCh38, 1-based): chr3:25,664,290, T>C on the plus strand (A>G on the coding strand, the complement: TOP2B is on the minus strand). VCF-style: chr3-25664290-T-C. GRCh37 (hg19) VCF-style: chr3-25705781-T-C.
Other names: c.8A>G, p.Lys3Arg (NM_001068.3); short protein forms K3R.
Identifiers: ClinVar variation 3654890 (VCV003654890.2).
Genomic context (GRCh38, chr3:25,664,290, plus strand): 5'-ACCCAGGTCAGTGCCCCGTTGCCGCCGCCCACGCCGGCTCCCGCGCCGCAGCCACCCGAC[T>C]TGGCCATGGCGAGTGCCTCCAGCTCACAGGCCCTGAGGCCGCAGCCGCCGCTCCCGCCTC-3'
Protein context (NP_001317629.1, residues 1-13): MA[Lys3Arg]SGGCGAGAGV